The following is an entry in ClinVar:

ClinVar aggregate classification (germline): Uncertain significance. Review status: criteria provided, multiple submitters, no conflicts (2 of 4 stars). 3 submissions from 3 submitters: Uncertain significance (2). 1 of the submissions does not count toward it. Last evaluated 2022-07-30.

Conditions:
Mucopolysaccharidosis, MPS-III-B (MPS3B). Also called: MPS III B; MUCOPOLYSACCHARIDOSIS, TYPE IIIB; N-ACETYL-ALPHA-D-GLUCOSAMINIDASE DEFICIENCY; NAGLU DEFICIENCY; SANFILIPPO SYNDROME B; Mucopolysaccharidosis type IIIB (Sanfilippo B). Identifiers: Orphanet 79270, MedGen C0086648, MONDO:0009656, OMIM 252920.
Charcot-Marie-Tooth disease axonal type 2V. Also called: CHARCOT-MARIE-TOOTH NEUROPATHY, TYPE 2V; CHARCOT-MARIE-TOOTH DISEASE, AXONAL, AUTOSOMAL DOMINANT, TYPE 2V. Identifiers: Orphanet 447964, MedGen C5569050, MONDO:0014665, OMIM 616491.

Allele frequency attached by ClinVar (database versions not stated): TOPMed 0.00002; ExAC 0.00003; 1000 Genomes Project 0.00020; 1000 Genomes Project 30x 0.00016.
gnomAD v4.1: 11 of 1,614,200 alleles (0.00068%); highest among the groups gnomAD compares: South Asian, 0.0022%; no homozygotes.

Submissions (3):

Labcorp Genetics (formerly Invitae), Labcorp
Classification: Uncertain significance for Charcot-Marie-Tooth disease axonal type 2V; Mucopolysaccharidosis, MPS-III-B. Last evaluated: 2022-07-30. Review status: criteria provided, single submitter. Criteria: Invitae Variant Classification Sherloc (09022015). Collection method: clinical testing. Allele origin: germline.
Comment: This sequence change replaces phenylalanine, which is neutral and non-polar, with serine, which is neutral and polar, at codon 410 of the NAGLU protein (p.Phe410Ser). This variant is present in population databases (rs574688121, gnomAD 0.004%). This missense change has been observed in individual(s) with clinical features of mucopolysaccharidosis type IIIB (PMID: 10094189). ClinVar contains an entry for this variant (Variation ID: 556379). Advanced modeling of protein sequence and biophysical properties (such as structural, functional, and spatial information, amino acid conservation, physicochemical variation, residue mobility, and thermodynamic stability) performed at Invitae indicates that this missense variant is expected to disrupt NAGLU protein function. In summary, the available evidence is currently insufficient to determine the role of this variant in disease. Therefore, it has been classified as a Variant of Uncertain Significance.

Women's Health and Genetics/Laboratory Corporation of America, LabCorp
Classification: Uncertain significance. Last evaluated: 2022-05-06. Review status: criteria provided, single submitter. Criteria: LabCorp Variant Classification Summary - May 2015. Collection method: clinical testing. Allele origin: germline.
Comment: Variant summary: NAGLU c.1229T>C (p.Phe410Ser) results in a non-conservative amino acid change located in the Alpha-N-acetylglucosaminidase, tim-barrel domain (IPR024733) of the encoded protein sequence. Five of five in-silico tools predict a damaging effect of the variant on protein function. The variant allele was found at a frequency of 1.6e-05 in 251366 control chromosomes (gnomAD). The available data on variant occurrences in the general population are insufficient to allow any conclusion about variant significance. c.1229T>C has been reported in the literature in at least one individual affected with Mucopolysaccharidosis Type IIIB (Sanfilippo Syndrome B) (Weber_1999). The report does not provide unequivocal conclusions about association of the variant with Mucopolysaccharidosis Type IIIB (Sanfilippo Syndrome B). To our knowledge, no experimental evidence demonstrating an impact on protein function has been reported. Two ClinVar submitters (evaluation after 2014) cite the variant as uncertain significance. Based on the evidence outlined above, the variant was classified as uncertain significance.

Counsyl
Classification: Uncertain significance for Mucopolysaccharidosis, MPS-III-B. Last evaluated: 2018-01-30. Review status: no assertion criteria provided. Collection method: clinical testing. Allele origin: unknown. Not counted in ClinVar's aggregate classification.

Literature cited by the submitters: PubMed 10094189 (cited by 3 submitters); PubMed 11668611 (cited by Women's Health and Genetics/Laboratory Corporation of America, LabCorp); PubMed 29979746 (cited by Women's Health and Genetics/Laboratory Corporation of America, LabCorp); PubMed 30802506 (cited by Women's Health and Genetics/Laboratory Corporation of America, LabCorp).

NM_000263.4(NAGLU):c.1229T>C (p.Phe410Ser)

Gene: NAGLU (N-acetyl-alpha-glucosaminidase; plus strand). Cytogenetic location: 17q21.2.
Variant type: single nucleotide variant.
Coding change: c.1229T>C on transcript NM_000263.4 (MANE Select); coding-DNA position 1229, T replaced by C.
Protein change: p.Phe410Ser; replaces phenylalanine 410 with serine.
Molecular consequence: missense variant.
Genome position (GRCh38, 1-based): chr17:42,543,235, T>C. VCF-style: chr17-42543235-T-C. GRCh37 (hg19) VCF-style: chr17-40695253-T-C.
Other names: short protein forms F410S.
Identifiers: ClinVar variation 556379 (VCV000556379.6), dbSNP rs574688121, ClinGen allele CA8576983.
Genomic context (GRCh38, chr17:42,543,235, plus strand): 5'-TGTATACCCGCACTGCCTCCTTCCAGGGCCAGCCCTTCATCTGGTGCATGCTGCACAACT[T>C]TGGGGGAAACCATGGTCTTTTTGGAGCCCTAGAGGCTGTGAACGGAGGCCCAGAAGCTGC-3'
Protein context (NP_000254.2, residues 400-420): QPFIWCMLHN[Phe410Ser]GGNHGLFGAL